The following is an entry in ClinVar:

NM_015189.3(EXOC6B):c.87C>A (p.Asp29Glu)

Gene: EXOC6B (exocyst complex component 6B; minus strand). Cytogenetic location: 2p13.2.
Variant type: single nucleotide variant.
Coding change: c.87C>A on transcript NM_015189.3 (MANE Select); coding-DNA position 87, C replaced by A.
Protein change: p.Asp29Glu; replaces aspartic acid 29 with glutamic acid.
Molecular consequence: missense variant. On other transcripts: 5 prime UTR variant (1), non-coding transcript variant (2).
Genome position (GRCh38, 1-based): chr2:72,825,824, G>T on the plus strand (C>A on the coding strand, the complement: EXOC6B is on the minus strand). VCF-style: chr2-72825824-G-T. GRCh37 (hg19) VCF-style: chr2-73052953-G-T.
Other names: c.87C>A, p.Asp29Glu (NM_001321729.2, NM_001321730.2, NM_001321731.2 and 1 more transcripts); c.-87C>A (NM_001321734.2); short protein forms D29E.
Identifiers: ClinVar variation 3353503 (VCV003353503.1).
Genomic context (GRCh38, chr2:72,825,824, plus strand): 5'-TCCCGCCCCTCTGTGGTCCCGGCACCCGGGGTACCTGAGCGTGGGCCCGATGCAGGCCGT[G>T]TCAGTGCTCTCGATCTCTCGCAGGATCCGCTCGTGCTCTGCCGCTGTCTCCAGGCTCTCC-3'
Protein context (NP_056004.1, residues 19-39): ERILREIEST[Asp29Glu]TACIGPTLRS

ClinVar aggregate classification (germline): Uncertain significance (0 of 4 stars; one submission).

Conditions:
EXOC6B-related disorder. Also called: EXOC6B-related condition.

gnomAD v4.1: 6 of 1,613,280 alleles (0.00037%); highest among the groups gnomAD compares: African/African-American, 0.008%; no homozygotes.

Submission:

PreventionGenetics, part of Exact Sciences
Classification: Uncertain significance for EXOC6B-related condition. Last evaluated: 2024-08-21. Review status: no assertion criteria provided. Collection method: clinical testing. Allele origin: germline.
Comment: The EXOC6B c.87C>A variant is predicted to result in the amino acid substitution p.Asp29Glu. To our knowledge, this variant has not been reported in the literature. This variant is reported in 0.032% of alleles in individuals of African descent in gnomAD. At this time, the clinical significance of this variant is uncertain due to the absence of conclusive functional and genetic evidence.